The following is an entry in ClinVar:

ClinVar aggregate classification (germline): Uncertain significance (1 of 4 stars; one submission).

Allele frequency attached by ClinVar (database versions not stated): TOPMed below 0.00001; gnomAD 0.00001.
gnomAD v4.1: 1 of 1,613,936 alleles (0.000062%); highest among the groups gnomAD compares: Non-Finnish European, 0.000085%; no homozygotes.

Submission:

GeneDx
Classification: Uncertain significance. Last evaluated: 2025-12-09. Review status: criteria provided, single submitter. Criteria: GeneDx Variant Classification Process June 2021. Collection method: clinical testing. Allele origin: germline.
Comment: Not observed at significant frequency in large population cohorts (gnomAD); In silico analysis supports that this missense variant has a deleterious effect on protein structure/function; Has not been previously published as pathogenic or benign to our knowledge

NM_001270508.2(TNFAIP3):c.60G>C (p.Lys20Asn)

Gene: TNFAIP3 (TNF alpha induced protein 3; plus strand). Cytogenetic location: 6q23.3.
Variant type: single nucleotide variant.
Coding change: c.60G>C on transcript NM_001270508.2 (MANE Select); coding-DNA position 60, G replaced by C.
Protein change: p.Lys20Asn; replaces lysine 20 with asparagine.
Molecular consequence: missense variant.
Genome position (GRCh38, 1-based): chr6:137,871,287, G>C. VCF-style: chr6-137871287-G-C. GRCh37 (hg19) VCF-style: chr6-138192424-G-C.
Other names: c.60G>C, p.Lys20Asn (NM_001270507.2, NM_006290.4); short protein forms K20N.
Identifiers: ClinVar variation 2663409 (VCV002663409.2), dbSNP rs1302093455, ClinGen allele CA365779730.